The following is an entry in ClinVar:

ClinVar aggregate classification (germline): Uncertain significance. Review status: criteria provided, multiple submitters, no conflicts (2 of 4 stars). 3 submissions from 3 submitters: Uncertain significance (3). Last evaluated 2024-03-30.

Conditions:
Inborn genetic diseases. Identifiers: MedGen C0950123, MeSH D030342.
Retinitis pigmentosa 59 (RP59). Identifiers: Orphanet 791, MedGen C3151227, MONDO:0013468, OMIM 613861.

Allele frequency attached by ClinVar (database versions not stated): gnomAD exomes below 0.00001; ExAC 0.00001.
gnomAD v4.1: 2 of 1,614,180 alleles (0.00012%); highest among the groups gnomAD compares: Non-Finnish European, 0.00017%; no homozygotes.

Submissions (3):

Labcorp Genetics (formerly Invitae), Labcorp
Classification: Uncertain significance for Retinitis pigmentosa 59. Last evaluated: 2024-03-30. Review status: criteria provided, single submitter. Criteria: Invitae Variant Classification Sherloc (09022015). Collection method: clinical testing. Allele origin: germline.
Comment: This sequence change replaces histidine, which is basic and polar, with arginine, which is basic and polar, at codon 160 of the DHDDS protein (p.His160Arg). This variant is present in population databases (rs753960562, gnomAD no frequency). This variant has not been reported in the literature in individuals affected with DHDDS-related conditions. ClinVar contains an entry for this variant (Variation ID: 2293998). Advanced modeling of protein sequence and biophysical properties (such as structural, functional, and spatial information, amino acid conservation, physicochemical variation, residue mobility, and thermodynamic stability) performed at Invitae indicates that this missense variant is not expected to disrupt DHDDS protein function with a negative predictive value of 80%. In summary, the available evidence is currently insufficient to determine the role of this variant in disease. Therefore, it has been classified as a Variant of Uncertain Significance.

Ambry Genetics
Classification: Uncertain significance for Inborn genetic diseases. Last evaluated: 2022-06-03. Review status: criteria provided, single submitter. Criteria: Ambry Variant Classification Scheme 2023. Collection method: clinical testing. Allele origin: germline.

Blueprint Genetics
Classification: Uncertain significance. Last evaluated: 2020-03-20. Review status: criteria provided, single submitter. Criteria: ACMG Guidelines, 2015. Collection method: clinical testing. Allele origin: germline.

NM_205861.3(DHDDS):c.479A>G (p.His160Arg)

Gene: DHDDS (dehydrodolichyl diphosphate synthase subunit; plus strand). Cytogenetic location: 1p36.11.
Variant type: single nucleotide variant.
Coding change: c.479A>G on transcript NM_205861.3 (MANE Select); coding-DNA position 479, A replaced by G.
Protein change: p.His160Arg; replaces histidine 160 with arginine.
Molecular consequence: missense variant. On other transcripts: intron variant (1).
Genome position (GRCh38, 1-based): chr1:26,447,597, A>G. VCF-style: chr1-26447597-A-G. GRCh37 (hg19) VCF-style: chr1-26774088-A-G.
Other names: c.362A>G, p.His121Arg (NM_001243565.2); c.200A>G, p.His67Arg (NM_001319959.2); c.479A>G, p.His160Arg (NM_024887.4); c.440+1165A>G (NM_001243564.2); short protein forms H160R, H67R, H121R.
Identifiers: ClinVar variation 2293998 (VCV002293998.5), dbSNP rs753960562, ClinGen allele CA705355.